The following is an entry in ClinVar:

ClinVar aggregate classification (germline): Likely pathogenic (1 of 4 stars; one submission).

Conditions:
Intellectual developmental disorder with autism and speech delay. Also called: AUTS5; Autism, susceptibility to, 5; Autism 5; AUTISM-RELATED SPEECH DELAY; PHRASE SPEECH DELAY, AUTISM-RELATED. Identifiers: MedGen C1853755, MONDO:0011627, OMIM 606053.

Submission:

3billion
Classification: Likely pathogenic for Intellectual developmental disorder with autism and speech delay. Last evaluated: 2024-10-11. Review status: criteria provided, single submitter. Criteria: ACMG Guidelines, 2015. Collection method: clinical testing. Allele origin: germline. Affected: yes.
Comment: The variant is not observed in the gnomAD v4.1.0 dataset. Predicted Consequence/Location: Stop-gained (nonsense): predicted to result in a loss or disruption of normal protein function through nonsense-mediated decay (NMD) or protein truncation. Multiple pathogenic variants are reported downstream of the variant. Therefore, this variant is classified as Likely pathogenic according to the recommendation of ACMG/AMP guideline.

NM_006593.4(TBR1):c.646A>T (p.Lys216Ter)

Gene: TBR1 (T-box brain transcription factor 1; plus strand). Cytogenetic location: 2q24.2.
Variant type: single nucleotide variant.
Coding change: c.646A>T on transcript NM_006593.4 (MANE Select); coding-DNA position 646, A replaced by T.
Protein change: p.Lys216Ter; replaces lysine 216 with a stop codon.
Molecular consequence: nonsense.
Genome position (GRCh38, 1-based): chr2:161,417,056, A>T. VCF-style: chr2-161417056-A-T. GRCh37 (hg19) VCF-style: chr2-162273567-A-T.
Other names: short protein forms K216*.
Identifiers: ClinVar variation 4292609 (VCV004292609.1).